The following is an entry in ClinVar:

NM_001458.5(FLNC):c.6005-14C>G

Genes: FLNC-AS1 (FLNC antisense RNA 1; minus strand), FLNC (filamin C; plus strand). Cytogenetic location: 7q32.1.
Variant type: single nucleotide variant.
Coding change: c.6005-14C>G on transcript NM_001458.5 (MANE Select); 14 bases into the intron before coding-DNA position 6005, C replaced by G.
Molecular consequence: intron variant.
Genome position (GRCh38, 1-based): chr7:128,852,814, C>G. VCF-style: chr7-128852814-C-G. GRCh37 (hg19) VCF-style: chr7-128492868-C-G.
Other names: c.5906-14C>G (NM_001127487.2).
Identifiers: ClinVar variation 1392513 (VCV001392513.6), dbSNP rs1012108263, ClinGen allele CA2573141602.
Genomic context (GRCh38, chr7:128,852,814, plus strand): 5'-TGAGCGTGGGGCCTCACGGGGACCTCAGGGGTGGGGGCCCACAGGATGCTCTGCCTAACA[C>G]CCACTTTCCACAGGGATCTCCTTCACCCCCAAGGAGGTCGGGGAGCACGTGGTGAGCGTG-3'

ClinVar aggregate classification (germline): Uncertain significance (1 of 4 stars; one submission).

Conditions:
Myofibrillar myopathy 5. Also called: Filaminopathy (type); FILAMINOPATHY, AUTOSOMAL DOMINANT. Identifiers: Orphanet 171445, MedGen C1836050, MONDO:0012289, OMIM 609524.
Hypertrophic cardiomyopathy 26. Also called: Cardiomyopathy, familial hypertrophic, 26. Identifiers: Orphanet 75249, MedGen C4310749, MONDO:0014883, OMIM 617047.
Distal myopathy with posterior leg and anterior hand involvement. Also called: WILLIAMS DISTAL MYOPATHY. Identifiers: Orphanet 63273, MedGen C3279722, MONDO:0013550, OMIM 614065.

Submission:

Labcorp Genetics (formerly Invitae), Labcorp
Classification: Uncertain significance for Distal myopathy with posterior leg and anterior hand involvement; Myofibrillar myopathy 5; Hypertrophic cardiomyopathy 26. Last evaluated: 2022-07-26. Review status: criteria provided, single submitter. Criteria: Invitae Variant Classification Sherloc (09022015). Collection method: clinical testing. Allele origin: germline.
Comment: This sequence change falls in intron 36 of the FLNC gene. It does not directly change the encoded amino acid sequence of the FLNC protein. This variant is not present in population databases (gnomAD no frequency). This variant has not been reported in the literature in individuals affected with FLNC-related conditions. ClinVar contains an entry for this variant (Variation ID: 1392513). Algorithms developed to predict the effect of sequence changes on RNA splicing suggest that this variant may create or strengthen a splice site. In summary, the available evidence is currently insufficient to determine the role of this variant in disease. Therefore, it has been classified as a Variant of Uncertain Significance.